The following is an entry in ClinVar:

NM_014384.3(ACAD8):c.1193A>G (p.Glu398Gly)

Gene: ACAD8 (acyl-CoA dehydrogenase family member 8; plus strand). Cytogenetic location: 11q25.
Variant type: single nucleotide variant.
Coding change: c.1193A>G on transcript NM_014384.3 (MANE Select); coding-DNA position 1193, A replaced by G.
Protein change: p.Glu398Gly; replaces glutamic acid 398 with glycine.
Molecular consequence: missense variant.
Genome position (GRCh38, 1-based): chr11:134,262,620, A>G. VCF-style: chr11-134262620-A-G. GRCh37 (hg19) VCF-style: chr11-134132514-A-G.
Other names: short protein forms E398G.
Identifiers: ClinVar variation 1047836 (VCV001047836.9), dbSNP rs1218106884, ClinGen allele CA383519434.

ClinVar aggregate classification (germline): Uncertain significance (1 of 4 stars; one submission).

Conditions:
Deficiency of isobutyryl-CoA dehydrogenase. Also called: ACYL-CoA DEHYDROGENASE FAMILY, MEMBER 8, DEFICIENCY OF; ACAD8 DEFICIENCY; IBD DEFICIENCY. Identifiers: Orphanet 79159, MedGen C1969809, MONDO:0012648, OMIM 611283.

Submission:

Labcorp Genetics (formerly Invitae), Labcorp
Classification: Uncertain significance for Deficiency of isobutyryl-CoA dehydrogenase. Last evaluated: 2020-06-10. Review status: criteria provided, single submitter. Criteria: Invitae Variant Classification Sherloc (09022015). Collection method: clinical testing. Allele origin: germline.
Comment: This variant is not present in population databases (ExAC no frequency). This sequence change replaces glutamic acid with glycine at codon 398 of the ACAD8 protein (p.Glu398Gly). The glutamic acid residue is highly conserved and there is a moderate physicochemical difference between glutamic acid and glycine. In summary, the available evidence is currently insufficient to determine the role of this variant in disease. Therefore, it has been classified as a Variant of Uncertain Significance. Algorithms developed to predict the effect of missense changes on protein structure and function (SIFT, PolyPhen-2, Align-GVGD) all suggest that this variant is likely to be disruptive, but these predictions have not been confirmed by published functional studies and their clinical significance is uncertain. This variant has not been reported in the literature in individuals with ACAD8-related conditions.